The following is an entry in ClinVar:

NM_000719.7(CACNA1C):c.4956+13G>A

Genes: CACNA1C (calcium voltage-gated channel subunit alpha1 C; plus strand), CACNA1C-AS1 (CACNA1C antisense RNA 1; minus strand). Cytogenetic location: 12p13.33.
Variant type: single nucleotide variant.
Coding change: c.4956+13G>A on transcript NM_000719.7 (MANE Select); 13 bases into the intron after coding-DNA position 4956, G replaced by A.
Molecular consequence: intron variant. On other transcripts: non-coding transcript variant (1).
Genome position (GRCh38, 1-based): chr12:2,677,234, G>A. VCF-style: chr12-2677234-G-A. GRCh37 (hg19) VCF-style: chr12-2786400-G-A.
Other names: c.4956+13G>A (NM_001167624.3, NM_001167623.2, NM_001129840.2 and 4 more transcripts); c.4923+13G>A (NM_001167625.2, NM_001129846.2); c.5100+13G>A (NM_199460.4, NM_001129827.2); c.5016+13G>A (NM_001129832.2); c.5040+13G>A (NM_001129831.2); c.5013+13G>A (NM_001129833.2, NM_001129834.2, NM_001129835.2); c.5079+13G>A (NM_001129829.2); c.4980+13G>A (NM_001129837.2, NM_001129838.2); and 3 more.
Identifiers: ClinVar variation 678680 (VCV000678680.9), dbSNP rs199753929, ClinGen allele CA231609083.
Genomic context (GRCh38, chr12:2,677,234, plus strand): 5'-CAGGGCCTTGTGGGCAAGCCCTCCCAGAGGAACGCGCTGTCTCTGCAGGTGAGGGCCTGG[G>A]GGCGGGCCCACACTCCAGGAAGGTCCTGGTCATTGCCTCTGACCTCCAGTCAGGGTCCCG-3'

ClinVar aggregate classification (germline): Likely benign. Review status: criteria provided, multiple submitters, no conflicts (2 of 4 stars). 2 submissions from 2 submitters: Likely benign (2). Last evaluated 2026-01-25.

Conditions:
Long QT syndrome (LQTS). Identifiers: MedGen C0023976, MeSH D008133, MONDO:0002442. Disease mechanism: loss of function. Inheritance: Various modes of inheritance.

Allele frequency attached by ClinVar (database versions not stated): gnomAD exomes 0.00001 and 0.00002; gnomAD 0.00003; TOPMed 0.00004.
gnomAD v4.1: 28 of 1,612,700 alleles (0.0017%); highest among the groups gnomAD compares: Admixed American, 0.005%; no homozygotes.

Submissions (2):

Labcorp Genetics (formerly Invitae), Labcorp
Classification: Likely benign for Long QT syndrome. Last evaluated: 2026-01-25. Review status: criteria provided, single submitter. Criteria: Invitae Variant Classification Sherloc (09022015). Collection method: clinical testing. Allele origin: germline.

GeneDx
Classification: Likely benign. Last evaluated: 2018-05-03. Review status: criteria provided, single submitter. Criteria: GeneDx Variant Classification (06012015). Collection method: clinical testing. Allele origin: germline. Affected: yes.
Comment: This variant is considered likely benign or benign based on one or more of the following criteria: it is a conservative change, it occurs at a poorly conserved position in the protein, it is predicted to be benign by multiple in silico algorithms, and/or has population frequency not consistent with disease.